The following is an entry in ClinVar:

ClinVar aggregate classification (germline): Likely pathogenic (1 of 4 stars; one submission).

Conditions:
Neurodegeneration with brain iron accumulation 5 (NBIA5). Also called: STATIC ENCEPHALOPATHY OF CHILDHOOD WITH NEURODEGENERATION IN ADULTHOOD; Beta-propeller protein-associated neurodegeneration. Identifiers: Orphanet 329284, MedGen C3550973, MONDO:0010476, OMIM 300894.

Submission:

Labcorp Genetics (formerly Invitae), Labcorp
Classification: Likely pathogenic for Neurodegeneration with brain iron accumulation 5. Last evaluated: 2025-01-27. Review status: criteria provided, single submitter. Criteria: Invitae Variant Classification Sherloc (09022015). Collection method: clinical testing. Allele origin: germline.
Comment: This sequence change affects an acceptor splice site in intron 11 of the WDR45 gene. While this variant is not anticipated to result in nonsense mediated decay, it likely alters RNA splicing and results in a disrupted protein product. This variant is not present in population databases (gnomAD no frequency). Disruption of this splice site has been observed in individual(s) with clinical features of WDR45-related conditions (PMID: 34325486; internal data). In at least one individual the variant was observed to be de novo. ClinVar contains an entry for this variant (Variation ID: 1023123). Variants that disrupt the consensus splice site are a relatively common cause of aberrant splicing (PMID: 17576681, 9536098). Algorithms developed to predict the effect of sequence changes on RNA splicing suggest that this variant may disrupt the consensus splice site. In summary, the currently available evidence indicates that the variant is pathogenic, but additional data are needed to prove that conclusively. Therefore, this variant has been classified as Likely Pathogenic.

Literature cited by the submitters: PubMed 34325486; PubMed 17576681; PubMed 9536098.

NM_001029896.2(WDR45):c.974-2A>G

Gene: WDR45 (WD repeat domain 45; minus strand). Cytogenetic location: Xp11.23.
Variant type: single nucleotide variant.
Coding change: c.974-2A>G on transcript NM_001029896.2 (MANE Select); the canonical splice acceptor site of the intron before coding-DNA position 974, A replaced by G.
Molecular consequence: splice acceptor variant.
Genome position (GRCh38, 1-based): chrX:49,074,914, T>C on the plus strand (A>G on the coding strand, the complement: WDR45 is on the minus strand). VCF-style: chrX-49074914-T-C. GRCh37 (hg19) VCF-style: chrX-48932573-T-C.
Other names: c.977-2A>G (NM_007075.4).
Identifiers: ClinVar variation 1023123 (VCV001023123.7), dbSNP rs2065027151, ClinGen allele CA412941719.